The following is an entry in ClinVar:

ClinVar aggregate classification (germline): Pathogenic (1 of 4 stars; one submission).

Conditions:
Pitt-Hopkins syndrome (PTHS). Also called: ENCEPHALOPATHY, SEVERE EPILEPTIC, WITH AUTONOMIC DYSFUNCTION; MENTAL RETARDATION, SYNDROMAL, WITH INTERMITTENT HYPERVENTILATION. Identifiers: Orphanet 2896, MedGen C1970431, MONDO:0012589, OMIM 610954.

Submission:

Labcorp Genetics (formerly Invitae), Labcorp
Classification: Pathogenic for Pitt-Hopkins syndrome. Last evaluated: 2017-07-11. Review status: criteria provided, single submitter. Criteria: Invitae Variant Classification Sherloc (09022015). Collection method: clinical testing. Allele origin: germline.
Comment: This sequence change creates a premature translational stop signal (p.Asp520Metfs*15) in the TCF4 gene. It is expected to result in an absent or disrupted protein product. This variant is not present in population databases (ExAC no frequency). This variant has not been reported in the literature in individuals with TCF4-related disease. Loss-of-function variants in TCF4 are known to be pathogenic (PMID: 22045651, 18728071). For these reasons, this variant has been classified as Pathogenic.

NM_001083962.2(TCF4):c.1557del (p.Asp520fs)

Gene: TCF4 (transcription factor 4; minus strand). Cytogenetic location: 18q21.2.
Variant type: Deletion.
Coding change: c.1557del on transcript NM_001083962.2 (MANE Select); coding-DNA position 1557, one base deleted (T; older notation c.1557delT).
Protein change: p.Asp520fs; shifts the reading frame from aspartic acid 520.
Molecular consequence: frameshift variant.
Genome position (GRCh38, 1-based): chr18:55,232,601, A deleted on the plus strand (T on the coding strand, the reverse complement: TCF4 is on the minus strand). VCF-style (leftmost placement, unchanged base first): chr18-55232600-CA-C. GRCh37 (hg19) VCF-style: chr18-52899831-CA-C.
Other names: c.1863del, p.Asp622fs (NM_001243226.3); c.1485del, p.Asp496fs (NM_001243227.2, NM_001306207.1, NM_001348217.1 and 5 more transcripts); c.1575del, p.Asp526fs (NM_001243228.2); c.1077del, p.Asp360fs (NM_001243234.2, NM_001243235.2, NM_001243236.2 and 1 more transcripts); c.1554del, p.Asp519fs (NM_001330604.3, NM_001369569.1, NM_001369570.1 and 2 more transcripts); c.1548del, p.Asp517fs (NM_001243230.2); c.1431del, p.Asp478fs (NM_001243231.2, NM_001348211.2); c.1344del, p.Asp449fs (NM_001243232.1, NM_001306208.1); and 6 more; short protein forms D304fs, D495fs, D526fs, D359fs, D478fs, D519fs, D622fs, D360fs.
Identifiers: ClinVar variation 468949 (VCV000468949.1), dbSNP rs1555717982, ClinGen allele CA658658756.